The following is an entry in ClinVar:

ClinVar aggregate classification (germline): Uncertain significance. Review status: criteria provided, multiple submitters, no conflicts (2 of 4 stars). 4 submissions from 4 submitters: Uncertain significance (4). Last evaluated 2024-12-25.

Conditions:
Inborn genetic diseases. Identifiers: MedGen C0950123, MeSH D030342.
Spastic paraplegia. Identifiers: MedGen C0037772, HP:0001258.

Allele frequency attached by ClinVar (database versions not stated): ExAC 0.00009; gnomAD 0.00025 and 0.00026; TOPMed 0.00033; ESP Exome Variant Server 0.00023; gnomAD exomes 0.00002 and 0.00007; 1000 Genomes Project 30x 0.00016; 1000 Genomes Project 0.00020.
gnomAD v4.1: 73 of 1,613,448 alleles (0.0045%); highest among the groups gnomAD compares: African/African-American, 0.072%; no homozygotes.

Submissions (4):

Ambry Genetics
Classification: Uncertain significance for Inborn genetic diseases. Last evaluated: 2024-12-25. Review status: criteria provided, single submitter. Criteria: Ambry Variant Classification Scheme 2023. Collection method: clinical testing. Allele origin: germline.

Labcorp Genetics (formerly Invitae), Labcorp
Classification: Uncertain significance for Spastic paraplegia. Last evaluated: 2024-04-24. Review status: criteria provided, single submitter. Criteria: Invitae Variant Classification Sherloc (09022015). Collection method: clinical testing. Allele origin: germline.
Comment: This sequence change replaces tyrosine, which is neutral and polar, with cysteine, which is neutral and slightly polar, at codon 86 of the AP4E1 protein (p.Tyr86Cys). This variant is present in population databases (rs138138484, gnomAD 0.09%). This variant has not been reported in the literature in individuals affected with AP4E1-related conditions. ClinVar contains an entry for this variant (Variation ID: 128397). An algorithm developed to predict the effect of missense changes on protein structure and function (PolyPhen-2) suggests that this variant is likely to be disruptive. In summary, the available evidence is currently insufficient to determine the role of this variant in disease. Therefore, it has been classified as a Variant of Uncertain Significance.

Mayo Clinic Laboratories, Mayo Clinic
Classification: Uncertain significance. Last evaluated: 2024-03-07. Review status: criteria provided, single submitter. Criteria: ACMG Guidelines, 2015. Collection method: clinical testing. Allele origin: germline. Observed: 1 variant allele.
Comment: PP3

Genetic Services Laboratory, University of Chicago
Classification: Uncertain significance. Last evaluated: 2014-02-18. Review status: criteria provided, single submitter. Criteria: ACMG Guidelines, 2007. Collection method: clinical testing. Allele origin: germline. Inheritance: Autosomal recessive inheritance.

NM_007347.5(AP4E1):c.257A>G (p.Tyr86Cys)

Gene: AP4E1 (adaptor related protein complex 4 subunit epsilon 1; plus strand). Cytogenetic location: 15q21.2.
Variant type: single nucleotide variant.
Coding change: c.257A>G on transcript NM_007347.5 (MANE Select); coding-DNA position 257, A replaced by G.
Protein change: p.Tyr86Cys; replaces tyrosine 86 with cysteine.
Molecular consequence: missense variant.
Genome position (GRCh38, 1-based): chr15:50,915,482, A>G. VCF-style: chr15-50915482-A-G. GRCh37 (hg19) VCF-style: chr15-51207679-A-G.
Other names: p.Tyr86Cys; c.32A>G, p.Tyr11Cys (NM_001252127.2); short protein forms Y86C, Y11C.
Identifiers: ClinVar variation 128397 (VCV000128397.16), dbSNP rs138138484, ClinGen allele CA230883.